The following is an entry in ClinVar:

ClinVar aggregate classification (germline): Uncertain significance. Review status: criteria provided, multiple submitters, no conflicts (2 of 4 stars). 2 submissions from 2 submitters: Uncertain significance (2). Last evaluated 2025-08-21.

Conditions:
Inborn genetic diseases. Identifiers: MedGen C0950123, MeSH D030342.

Allele frequency attached by ClinVar (database versions not stated): ExAC 0.00002.
gnomAD v4.1: 18 of 1,614,080 alleles (0.0011%); highest among the groups gnomAD compares: African/African-American, 0.0027%; no homozygotes.

Submissions (3):

Ambry Genetics
Classification: Uncertain significance for Inborn genetic diseases. Last evaluated: 2025-08-21. Review status: criteria provided, single submitter. Criteria: Ambry Variant Classification Scheme 2023. Collection method: clinical testing. Allele origin: germline.

Labcorp Genetics (formerly Invitae), Labcorp
Classification: Uncertain significance. Last evaluated: 2021-11-10. Review status: criteria provided, single submitter. Criteria: Invitae Variant Classification Sherloc (09022015). Collection method: clinical testing. Allele origin: germline.
Comment: In summary, the available evidence is currently insufficient to determine the role of this variant in disease. Therefore, it has been classified as a Variant of Uncertain Significance. Algorithms developed to predict the effect of sequence changes on RNA splicing suggest that this variant may create or strengthen a splice site. Algorithms developed to predict the effect of missense changes on protein structure and function are either unavailable or do not agree on the potential impact of this missense change (SIFT: "Deleterious"; PolyPhen-2: "Probably Damaging"; Align-GVGD: "Class C0"). This variant has not been reported in the literature in individuals affected with TACO1-related conditions. This variant is present in population databases (rs750709629, gnomAD 0.004%). This sequence change replaces glycine, which is neutral and non-polar, with tryptophan, which is neutral and slightly polar, at codon 187 of the TACO1 protein (p.Gly187Trp).

Dr. Peter K. Rogan Lab, Western University
No classification provided (evidence only). Condition: Sarcoma. Review status: no classification provided. Collection method: in vitro. Allele origin: not applicable. Functional consequence: retained intron. Not counted in ClinVar's aggregate classification.

NM_016360.4(TACO1):c.559G>T (p.Gly187Trp)

Gene: TACO1 (translational activator of cytochrome c oxidase I; plus strand). Cytogenetic location: 17q23.3.
Variant type: single nucleotide variant.
Coding change: c.559G>T on transcript NM_016360.4 (MANE Select); coding-DNA position 559, G replaced by T.
Protein change: p.Gly187Trp; replaces glycine 187 with tryptophan.
Molecular consequence: missense variant.
Genome position (GRCh38, 1-based): chr17:63,607,330, G>T. VCF-style: chr17-63607330-G-T. GRCh37 (hg19) VCF-style: chr17-61684690-G-T.
Other names: c.559G>T (NM_016360.3); short protein forms G187W.
Identifiers: ClinVar variation 1385683 (VCV001385683.9), dbSNP rs750709629, ClinGen allele CA8702184.
Genomic context (GRCh38, chr17:63,607,330, plus strand): 5'-GTTTCCTTCCCTGTCAGAGGAGTGATGGCTGTAGGAGCTCGTCACTCTTTTGACAAAAAG[G>T]GGGTGATTGTGGTTGAAGTGGAGGACAGAGAGAAGAAGGCTGTGAACCTAGAGCGTGCCC-3'
Protein context (NP_057444.2, residues 177-197): VGARHSFDKK[Gly187Trp]VIVVEVEDRE